The following is an entry in ClinVar:

ClinVar aggregate classification (germline): Uncertain significance (1 of 4 stars; one submission).

Submission:

GeneDx
Classification: Uncertain significance. Last evaluated: 2022-06-29. Review status: criteria provided, single submitter. Criteria: GeneDx Variant Classification Process June 2021. Collection method: clinical testing. Allele origin: germline. Affected: yes.
Comment: Not observed at significant frequency in large population cohorts (gnomAD); In silico analysis supports that this missense variant has a deleterious effect on protein structure/function; Has not been previously published as pathogenic or benign to our knowledge; Variants in candidate genes are classified as variants of uncertain significance in accordance with ACMG guidelines (Richards et al., 2015)

NM_014974.3(DIP2C):c.1057G>A (p.Gly353Ser)

Gene: DIP2C (disco interacting protein 2 homolog C; minus strand). Cytogenetic location: 10p15.3.
Variant type: single nucleotide variant.
Coding change: c.1057G>A on transcript NM_014974.3 (MANE Select); coding-DNA position 1057, G replaced by A.
Protein change: p.Gly353Ser; replaces glycine 353 with serine.
Molecular consequence: missense variant.
Genome position (GRCh38, 1-based): chr10:413,913, C>T on the plus strand (G>A on the coding strand, the complement: DIP2C is on the minus strand). VCF-style: chr10-413913-C-T. GRCh37 (hg19) VCF-style: chr10-459853-C-T.
Other names: short protein forms G353S.
Identifiers: ClinVar variation 3342555 (VCV003342555.1).